The following is an entry in ClinVar:

ClinVar aggregate classification (germline): Likely pathogenic (1 of 4 stars; one submission).

Conditions:
Primary ciliary dyskinesia. Also called: Ciliary dyskinesia. Identifiers: Orphanet 244, MedGen C0008780, MONDO:0016575, HP:0012265.

Submission:

Laboratory for Molecular Medicine, Mass General Brigham Personalized Medicine
Classification: Likely pathogenic for Primary ciliary dyskinesia. Last evaluated: 2017-06-28. Review status: criteria provided, single submitter. Criteria: LMM Criteria. Collection method: clinical testing. Allele origin: germline. Inheritance: Autosomal recessive inheritance. Observed: 1 variant allele.
Comment: The p.Ala558ArgfsX40 (NM_023036.4 c.1672_1673delGC) variant in DNAI2 has not be en previously reported in individuals with primary ciliary dyskinesia and was ab sent from large population studies. This variant is predicted to cause a framesh ift, which alters the protein?s amino acid sequence beginning at position 558 an d leads to a premature termination codon 40 amino acids downstream. This alterat ion is then predicted to lead to a truncated or absent protein. Biallelic loss o f function of the DNAI2 gene has been associated with primary ciliary dyskinesia . In summary, although additional studies are required to fully establish a null effect on the protein, the p.Ala558ArgfsX40 variant in the DNAI2 gene is likel y pathogenic for primary ciliary dyskinesia in an autosomal recessive manner bas ed on its predicted impact on the protein.

NM_023036.6(DNAI2):c.1672_1673del (p.Ala558fs)

Gene: DNAI2 (dynein axonemal intermediate chain 2; plus strand). Cytogenetic location: 17q25.1.
Variant type: Deletion.
Coding change: c.1672_1673del on transcript NM_023036.6 (MANE Select); coding-DNA positions 1672 to 1673, 2 bases deleted (GC; older notation c.1672_1673delGC).
Protein change: p.Ala558fs; shifts the reading frame from alanine 558.
Molecular consequence: frameshift variant.
Genome position (GRCh38, 1-based): chr17:74,312,180-74,312,181, GC deleted; deleting any 2 consecutive bases within chr17:74,312,179-74,312,181 gives the same sequence; the c. name uses the placement nearest the transcript's 3' end. VCF-style (leftmost placement, unchanged base first): chr17-74312178-TCG-T. GRCh37 (hg19) VCF-style: chr17-72308317-TCG-T.
Other names: c.1636_1637del, p.Ala546fs (NM_001172810.3); c.1672_1673del, p.Ala558fs (NM_001353167.2); short protein forms A546fs, A558fs.
Identifiers: ClinVar variation 667369 (VCV000667369.4), dbSNP rs1598348312, ClinGen allele CA915951344.